The following is an entry in ClinVar:

NM_001009944.3(PKD1):c.5509T>G (p.Trp1837Gly)

Gene: PKD1 (polycystin 1, transient receptor potential channel interacting; minus strand). Cytogenetic location: 16p13.3.
Variant type: single nucleotide variant.
Coding change: c.5509T>G on transcript NM_001009944.3 (MANE Select); coding-DNA position 5509, T replaced by G.
Protein change: p.Trp1837Gly; replaces tryptophan 1837 with glycine.
Molecular consequence: missense variant.
Genome position (GRCh38, 1-based): chr16:2,109,658, A>C on the plus strand (T>G on the coding strand, the complement: PKD1 is on the minus strand). VCF-style: chr16-2109658-A-C. GRCh37 (hg19) VCF-style: chr16-2159659-A-C.
Other names: c.5509T>G, p.Trp1837Gly (NM_000296.4); short protein forms W1837G.
Identifiers: ClinVar variation 3601988 (VCV003601988.1).
Genomic context (GRCh38, chr16:2,109,658, plus strand): 5'-GGAAGACCATGGTGACATGAGGGCCACGCTTGCTGCTGCCGCCGGGCACAGCCCAGCACC[A>C]GCTCACATTGGTGCCCGTGGCCAGCTGCCCCCAAAAGGGCACAGAGGACCCGGCCGCCAC-3'
Protein context (NP_001009944.3, residues 1827-1847): GQLATGTNVS[Trp1837Gly]CWAVPGGSSK

ClinVar aggregate classification (germline): Uncertain significance (1 of 4 stars; one submission).

Conditions:
Polycystic kidney disease, adult type (PKD1). Also called: Polycystic Kidney Disease 1, Autosomal Dominant; Polycystic kidney disease 1; Polycystic kidney disease 1, severe; POLYCYSTIC KIDNEY DISEASE 1 WITH OR WITHOUT POLYCYSTIC LIVER DISEASE; POLYCYSTIC KIDNEY DISEASE, ADULT, TYPE I; Polycystic Kidney, Autosomal Dominant. Identifiers: MedGen C3149841, MONDO:0008263, OMIM 173900.

Submission:

MVZ Medizinische Genetik Mainz
Classification: Uncertain significance for Polycystic kidney disease, adult type. Last evaluated: 2025-01-09. Review status: criteria provided, single submitter. Criteria: UK Practice Guidelines For Variant Classification V4 01 2020. Collection method: clinical testing. Allele origin: germline. Inheritance: Autosomal dominant inheritance. Observed: 1 variant allele.
Comment: ACMG Criteria: PP3_MOD,PM2_SUP,PP4